The following is an entry in ClinVar:

NM_006147.4(IRF6):c.308T>C (p.Val103Ala)

Gene: IRF6 (interferon regulatory factor 6; minus strand). Cytogenetic location: 1q32.2.
Variant type: single nucleotide variant.
Coding change: c.308T>C on transcript NM_006147.4 (MANE Select); coding-DNA position 308, T replaced by C.
Protein change: p.Val103Ala; replaces valine 103 with alanine.
Molecular consequence: missense variant.
Genome position (GRCh38, 1-based): chr1:209,796,419, A>G on the plus strand (T>C on the coding strand, the complement: IRF6 is on the minus strand). VCF-style: chr1-209796419-A-G. GRCh37 (hg19) VCF-style: chr1-209969764-A-G.
Other names: c.23T>C, p.Val8Ala (NM_001206696.2); short protein forms V103A, V8A.
Identifiers: ClinVar variation 3031706 (VCV003031706.2), dbSNP rs2464683510, ClinGen allele CA344583017.

ClinVar aggregate classification (germline): Uncertain significance (0 of 4 stars; one submission).

Conditions:
IRF6-related condition. Also called: IRF6-related disorder; IRF6-Related Disorders. Identifiers: MedGen CN378148, MONDO:1040010.

Submission:

PreventionGenetics, part of Exact Sciences
Classification: Uncertain significance for IRF6-related condition. Last evaluated: 2023-11-03. Review status: no assertion criteria provided. Collection method: clinical testing. Allele origin: germline.
Comment: The IRF6 c.308T>C variant is predicted to result in the amino acid substitution p.Val103Ala. To our knowledge, this variant has not been reported in the literature or in a large population database, indicating this variant is rare. At this time, the clinical significance of this variant is uncertain due to the absence of conclusive functional and genetic evidence.